The following is an entry in ClinVar:

ClinVar aggregate classification (germline): Likely benign. Review status: criteria provided, multiple submitters, no conflicts (2 of 4 stars). 3 submissions from 3 submitters: Likely benign (2). 1 of the submissions does not count toward it. Last evaluated 2019-12-31.

Conditions:
GLI1-related disorder. Also called: GLI1-related condition.

Allele frequency attached by ClinVar (database versions not stated): ESP Exome Variant Server 0.00023; gnomAD 0.00034 and 0.00052; TOPMed 0.00044; gnomAD exomes 0.00097; ExAC 0.00103; 1000 Genomes Project 30x 0.00109; 1000 Genomes Project 0.00140.
gnomAD v4.1: 1,024 of 1,613,976 alleles (0.063%); highest among the groups gnomAD compares: South Asian, 0.58%; 10 homozygotes.

Submissions (3):

Labcorp Genetics (formerly Invitae), Labcorp
Classification: Likely benign. Last evaluated: 2019-12-31. Review status: criteria provided, single submitter. Criteria: Invitae Variant Classification Sherloc (09022015). Collection method: clinical testing. Allele origin: germline.

Breakthrough Genomics
Classification: Likely benign. Review status: criteria provided, single submitter. Criteria: ACMG Guidelines, 2015. Collection method: not provided. Allele origin: germline. Inheritance: Autosomal recessive inheritance. Affected: yes.

PreventionGenetics, part of Exact Sciences
Classification: Likely benign for GLI1-related condition. Last evaluated: 2019-04-05. Review status: no assertion criteria provided. Collection method: clinical testing. Allele origin: germline. Not counted in ClinVar's aggregate classification.
Comment: This variant is classified as likely benign based on ACMG/AMP sequence variant interpretation guidelines (Richards et al. 2015 PMID: 25741868, with internal and published modifications).

NM_005269.3(GLI1):c.314C>A (p.Ser105Tyr)

Gene: GLI1 (GLI family zinc finger 1; plus strand). Cytogenetic location: 12q13.3.
Variant type: single nucleotide variant.
Coding change: c.314C>A on transcript NM_005269.3 (MANE Select); coding-DNA position 314, C replaced by A.
Protein change: p.Ser105Tyr; replaces serine 105 with tyrosine.
Molecular consequence: missense variant. On other transcripts: 5 prime UTR variant (1).
Genome position (GRCh38, 1-based): chr12:57,464,793, C>A. VCF-style: chr12-57464793-C-A. GRCh37 (hg19) VCF-style: chr12-57858576-C-A.
Other names: c.-71C>A (NM_001160045.2); c.191C>A, p.Ser64Tyr (NM_001167609.2); short protein forms S105Y, S64Y.
Identifiers: ClinVar variation 790865 (VCV000790865.7), dbSNP rs139570630, ClinGen allele CA6648425.
Genomic context (GRCh38, chr12:57,464,793, plus strand): 5'-TCTCACCTCTGTCGGATGCCAGCCTGGACCTGCAGACGGTTATCCGCACCTCACCCAGCT[C>A]CCTCGTAGCTTTCATCAACTCGCGATGCACATCTCCAGGAGGCTCCTACGGTCATCTCTC-3'
Protein context (NP_005260.1, residues 95-115): LQTVIRTSPS[Ser105Tyr]LVAFINSRCT